The following is an entry in ClinVar:

ClinVar aggregate classification (germline): Uncertain significance (1 of 4 stars; one submission).

Conditions:
Joubert syndrome. Also called: CEREBELLOPARENCHYMAL DISORDER IV; JOUBERT-BOLTSHAUSER SYNDROME; Familial aplasia of the vermis. Identifiers: Orphanet 475, MedGen C5979921, MONDO:0018772.
Meckel-Gruber syndrome. Also called: DYSENCEPHALIA SPLANCHNOCYSTICA; GRUBER SYNDROME; Dysencephalia splachnocystica. Identifiers: Orphanet 564, MedGen C0265215, MONDO:0018921.

Submission:

Labcorp Genetics (formerly Invitae), Labcorp
Classification: Uncertain significance for Joubert syndrome; Meckel-Gruber syndrome. Last evaluated: 2022-04-01. Review status: criteria provided, single submitter. Criteria: Invitae Variant Classification Sherloc (09022015). Collection method: clinical testing. Allele origin: germline.
Comment: In summary, the available evidence is currently insufficient to determine the role of this variant in disease. Therefore, it has been classified as a Variant of Uncertain Significance. Experimental studies and prediction algorithms are not available or were not evaluated, and the functional significance of this variant is currently unknown. This variant has not been reported in the literature in individuals affected with TCTN1-related conditions. This variant is not present in population databases (gnomAD no frequency). This variant, c.428_430del, results in the deletion of 1 amino acid(s) of the TCTN1 protein (p.Val143del), but otherwise preserves the integrity of the reading frame.

NM_001082538.3(TCTN1):c.425TTG[1] (p.Val143del)

Gene: TCTN1 (tectonic family member 1; plus strand). Cytogenetic location: 12q24.11.
Variant type: Microsatellite.
Coding change: c.425TTG[1] on transcript NM_001082538.3 (MANE Select); one copy of the 3-base unit TTG starting at c.425; the reference has two copies in a row; one copy, 3 bases deleted.
Protein change: p.Val143del; deletes valine 143.
Molecular consequence: inframe deletion. On other transcripts: 5 prime UTR variant (1), non-coding transcript variant (1).
Genome position (GRCh38, 1-based): chr12:110,626,448-110,626,450, TTG deleted; deleting any 3 consecutive bases within chr12:110,626,445-110,626,450 gives the same sequence; the position shown is the placement nearest the transcript's 3' end. VCF-style (leftmost placement, unchanged base first): chr12-110626444-CTTG-C. GRCh37 (hg19) VCF-style: chr12-111064249-CTTG-C.
Other names: c.425TTG[1], p.Val143del (NM_001082537.3, NM_001319680.2, NM_024549.6); c.257TTG[1], p.Val87del (NM_001173975.3, NM_001319682.3); c.245TTG[1], p.Val83del (NM_001173976.2); c.-283TTG[1] (NM_001319681.2); short protein forms V83del, V87del, V143del.
Identifiers: ClinVar variation 2039167 (VCV002039167.4), dbSNP rs2548833189, ClinGen allele CA2580614556.